The following is an entry in ClinVar:

NM_001458.5(FLNC):c.1316C>G (p.Thr439Arg)

Gene: FLNC (filamin C; plus strand). Cytogenetic location: 7q32.1.
Variant type: single nucleotide variant.
Coding change: c.1316C>G on transcript NM_001458.5 (MANE Select); coding-DNA position 1316, C replaced by G.
Protein change: p.Thr439Arg; replaces threonine 439 with arginine.
Molecular consequence: missense variant.
Genome position (GRCh38, 1-based): chr7:128,838,708, C>G. VCF-style: chr7-128838708-C-G. GRCh37 (hg19) VCF-style: chr7-128478762-C-G.
Other names: c.1316C>G, p.Thr439Arg (NM_001127487.2); short protein forms T439R.
Identifiers: ClinVar variation 4082583 (VCV004082583.1).

ClinVar aggregate classification (germline): Uncertain significance (1 of 4 stars; one submission).

Submission:

GeneDx
Classification: Uncertain significance. Last evaluated: 2025-01-21. Review status: criteria provided, single submitter. Criteria: GeneDx Variant Classification Process June 2021. Collection method: clinical testing. Allele origin: germline. Affected: yes.
Comment: Not observed at significant frequency in large population cohorts (gnomAD); In silico analysis supports that this missense variant has a deleterious effect on protein structure/function; Has not been previously published as pathogenic or benign to our knowledge